The following is an entry in ClinVar:

ClinVar aggregate classification (germline): Pathogenic (1 of 4 stars; one submission).

Conditions:
Lynch syndrome 5 (LYNCH5). Also called: Colorectal cancer, hereditary nonpolyposis, type 5; Hereditary non-polyposis colorectal cancer, type 5. Identifiers: Orphanet 144, MedGen C1833477, MONDO:0013710, OMIM 614350. Disease mechanism: loss of function.

Submission:

Myriad Genetics, Inc.
Classification: Pathogenic for Lynch syndrome 5. Last evaluated: 2023-08-15. Review status: criteria provided, single submitter. Criteria: Myriad Autosomal Dominant, Autosomal Recessive and X-Linked Classification Criteria (2023). Collection method: clinical testing. Allele origin: unknown.
Comment: This variant is considered pathogenic. This variant creates a termination codon and is predicted to result in premature protein truncation.

NM_000179.3(MSH6):c.1677C>A (p.Cys559Ter)

Gene: MSH6 (mutS homolog 6; plus strand). Cytogenetic location: 2p16.3.
Variant type: single nucleotide variant.
Coding change: c.1677C>A on transcript NM_000179.3 (MANE Select); coding-DNA position 1677, C replaced by A.
Protein change: p.Cys559Ter; replaces cysteine 559 with a stop codon.
Molecular consequence: nonsense. On other transcripts: non-coding transcript variant (4), intron variant (2).
Genome position (GRCh38, 1-based): chr2:47,799,660, C>A. VCF-style: chr2-47799660-C-A. GRCh37 (hg19) VCF-style: chr2-48026799-C-A.
Other names: c.1287C>A, p.Cys429Ter (NM_001281492.2); c.771C>A, p.Cys257Ter (NM_001281493.2, NM_001281494.2, NM_001406811.1 and 6 more transcripts); c.1773C>A, p.Cys591Ter (NM_001406795.1, NM_001406802.1); c.1677C>A, p.Cys559Ter (NM_001406796.1, NM_001406798.1, NM_001406800.1 and 3 more transcripts); c.1380C>A, p.Cys460Ter (NM_001406797.1, NM_001406801.1, NM_001406805.1 and 10 more transcripts); c.1152C>A, p.Cys384Ter (NM_001406799.1, NM_001406806.1, NM_001406807.1); c.1599C>A, p.Cys533Ter (NM_001406804.1); c.1683C>A, p.Cys561Ter (NM_001406813.1); and 3 more; short protein forms C257*, C384*, C429*, C460*, C503*, C533*, C559*, C561*.
Identifiers: ClinVar variation 2673661 (VCV002673661.1), dbSNP rs63749893, ClinGen allele CA346747449.
Genomic context (GRCh38, chr2:47,799,660, plus strand): 5'-TCTTAGCCTCAAAGAAAAAGAGGAAGATTCTTCTGGCCATACTCGTGCATATGGTGTGTG[C>A]TTTGTTGATACTTCACTGGGAAAGTTTTTCATAGGTCAGTTTTCAGATGATCGCCATTGT-3'